The following is an entry in ClinVar:

ClinVar aggregate classification (germline): Uncertain significance (1 of 4 stars; one submission).

Conditions:
Hereditary cancer-predisposing syndrome. Also called: Neoplastic Syndromes, Hereditary; Tumor predisposition; Hereditary Cancer Syndrome; Hereditary neoplastic syndrome. Identifiers: Orphanet 140162, MedGen C0027672, MeSH D009386, MONDO:0015356.

gnomAD v4.1: 1 of 1,607,854 alleles (0.000062%); highest among the groups gnomAD compares: South Asian, 0.0011%; no homozygotes.

Submission:

Ambry Genetics
Classification: Uncertain significance for Hereditary cancer-predisposing syndrome. Last evaluated: 2021-12-13. Review status: criteria provided, single submitter. Criteria: Ambry Variant Classification Scheme 2023. Collection method: clinical testing. Allele origin: germline.
Comment: The c.1051+5G>T intronic variant results from a G to T substitution 5 nucleotides after coding exon 7 in the RAD50 gene. This nucleotide position is well conserved in available vertebrate species. In silico splice site analysis for this alteration is inconclusive. Since supporting evidence is limited at this time, the clinical significance of this alteration remains unclear.

NM_005732.4(RAD50):c.1051+5G>T

Gene: RAD50 (RAD50 double strand break repair protein; plus strand). Cytogenetic location: 5q31.1.
Variant type: single nucleotide variant.
Coding change: c.1051+5G>T on transcript NM_005732.4 (MANE Select); 5 bases into the intron after coding-DNA position 1051, G replaced by T.
Molecular consequence: intron variant.
Genome position (GRCh38, 1-based): chr5:132,588,094, G>T. VCF-style: chr5-132588094-G-T. GRCh37 (hg19) VCF-style: chr5-131923786-G-T.
Identifiers: ClinVar variation 1777146 (VCV001777146.2), dbSNP rs756795228, ClinGen allele CA2580072680.